The following is an entry in ClinVar:

ClinVar aggregate classification (germline): Uncertain significance. Review status: criteria provided, multiple submitters, no conflicts (2 of 4 stars). 2 submissions from 2 submitters: Uncertain significance (2). Last evaluated 2024-02-01.

Conditions:
Familial adenomatous polyposis 2. Also called: MUTYH Polyposis; COLORECTAL ADENOMATOUS POLYPOSIS, AUTOSOMAL RECESSIVE; ADENOMAS, MULTIPLE COLORECTAL, AUTOSOMAL RECESSIVE; MUTYH-associated polyposis; MUTYH-related attenuated familial adenomatous polyposis; Adenomas, multiple colorectal. Identifiers: Orphanet 220460, Orphanet 247798, MedGen C3272841, MONDO:0012041, OMIM 608456.

Submissions (2):

Baylor Genetics
Classification: Uncertain significance for Familial adenomatous polyposis 2. Last evaluated: 2024-02-01. Review status: criteria provided, single submitter. Criteria: ACMG Guidelines, 2015. Collection method: clinical testing. Allele origin: unknown.

Labcorp Genetics (formerly Invitae), Labcorp
Classification: Uncertain significance for Familial adenomatous polyposis 2. Last evaluated: 2017-11-28. Review status: criteria provided, single submitter. Criteria: Invitae Variant Classification Sherloc (09022015). Collection method: clinical testing. Allele origin: germline.
Comment: This sequence change replaces leucine with serine at codon 460 of the MUTYH protein (p.Leu460Ser). The leucine residue is highly conserved and there is a large physicochemical difference between leucine and serine. This variant is not present in population databases (ExAC no frequency). In summary, the available evidence is currently insufficient to determine the role of this variant in disease. Therefore, it has been classified as a Variant of Uncertain Significance. Algorithms developed to predict the effect of missense changes on protein structure and function (SIFT, PolyPhen-2, Align-GVGD) all suggest that this variant is likely to be disruptive, but these predictions have not been confirmed by published functional studies and their clinical significance is uncertain. This variant has not been reported in the literature in individuals with MUTYH-related disease.

NM_001048174.2(MUTYH):c.1295T>C (p.Leu432Ser)

Gene: MUTYH (mutY DNA glycosylase; minus strand). Cytogenetic location: 1p34.1.
Variant type: single nucleotide variant.
Coding change: c.1295T>C on transcript NM_001048174.2 (MANE Select); coding-DNA position 1295, T replaced by C.
Protein change: p.Leu432Ser; replaces leucine 432 with serine.
Molecular consequence: missense variant. On other transcripts: non-coding transcript variant (2).
Genome position (GRCh38, 1-based): chr1:45,331,279, A>G on the plus strand (T>C on the coding strand, the complement: MUTYH is on the minus strand). VCF-style: chr1-45331279-A-G. GRCh37 (hg19) VCF-style: chr1-45796951-A-G.
Other names: c.1295T>C, p.Leu432Ser (NM_001048171.2, NM_001048173.2, NM_001293195.2); c.1298T>C, p.Leu433Ser (NM_001048172.2); c.1379T>C, p.Leu460Ser (NM_001128425.2); c.1340T>C, p.Leu447Ser (NM_001293190.2); c.1328T>C, p.Leu443Ser (NM_001293191.2); c.1019T>C, p.Leu340Ser (NM_001293192.2, NM_001293196.2); c.950T>C, p.Leu317Ser (NM_001350650.2, NM_001350651.2); c.1370T>C, p.Leu457Ser (NM_012222.3); short protein forms L460S, L443S, L340S, L433S, L317S, L432S, L447S, L457S.
Identifiers: ClinVar variation 533317 (VCV000533317.8), dbSNP rs1553125160, ClinGen allele CA340132694.